The following is an entry in ClinVar:

ClinVar aggregate classification (germline): Likely benign (1 of 4 stars; one submission).

Submission:

Dasa
Classification: Likely benign. Last evaluated: 2025-10-15. Review status: criteria provided, single submitter. Criteria: DASA Assertion Criteria. Collection method: clinical testing. Allele origin: germline.
Comment: NM_145038.5(DRC1):c.1924T>A (p.Ser642Thr) is a missense variant that results in the substitution of serine with threonine. Computational prediction algorithms are consistent with a benign effect. Therefore, based on the currently available evidence, this variant is classified as likely benign.

NM_145038.5(DRC1):c.1924T>A (p.Ser642Thr)

Gene: DRC1 (dynein regulatory complex subunit 1; plus strand). Cytogenetic location: 2p23.3.
Variant type: single nucleotide variant.
Coding change: c.1924T>A on transcript NM_145038.5 (MANE Select); coding-DNA position 1924, T replaced by A.
Protein change: p.Ser642Thr; replaces serine 642 with threonine.
Molecular consequence: missense variant.
Genome position (GRCh38, 1-based): chr2:26,454,651, T>A. VCF-style: chr2-26454651-T-A. GRCh37 (hg19) VCF-style: chr2-26677519-T-A.
Other names: short protein forms S642T.
Identifiers: ClinVar variation 4884172 (VCV004884172.2).